The following is an entry in ClinVar:

NM_001365925.2(NLGN1):c.554-7372_554-7369del

Gene: NLGN1 (neuroligin 1; plus strand). Cytogenetic location: 3q26.31.
Variant type: Deletion.
Coding change: c.554-7372_554-7369del on transcript NM_001365925.2 (MANE Select); 7372 bases into the intron before coding-DNA position 554 through 7369 bases into the intron before coding-DNA position 554, 4 bases deleted (AACA; older notation c.554-7372_554-7369delAACA).
Molecular consequence: intron variant. On other transcripts: frameshift variant (2).
Genome position (GRCh38, 1-based): chr3:173,800,308-173,800,311, AACA deleted; deleting any 4 consecutive bases within chr3:173,800,307-173,800,311 gives the same sequence; the c. name uses the placement nearest the transcript's 3' end. VCF-style (leftmost placement, unchanged base first): chr3-173800306-GAAAC-G. GRCh37 (hg19) VCF-style: chr3-173518096-GAAAC-G.
Other names: c.509_512del, p.Lys170fs (NM_001365923.2, NM_001365927.2); c.554-7372_554-7369del (NM_001365924.2, NM_001365926.2, NM_001365928.2); c.494-7372_494-7369del (NM_001365930.2, NM_001365936.2, NM_001365929.2 and 6 more transcripts); short protein forms K170fs.
Identifiers: ClinVar variation 2430299 (VCV002430299.2), dbSNP rs2546615886, ClinGen allele CA2580069088.

ClinVar aggregate classification (germline): Uncertain significance (1 of 4 stars; one submission).

Submission:

Centre of Medical Genetics, University Hospital Muenster
Classification: Uncertain significance. Last evaluated: 2022-10-19. Review status: criteria provided, single submitter. Criteria: ACMG Guidelines, 2015. Collection method: clinical testing. Allele origin: unknown. Affected: yes. Observed: 1 variant allele, 1 heterozygote.
Comment: ACMG categories: PVS1